The following is an entry in ClinVar:

ClinVar aggregate classification (germline): Uncertain significance (1 of 4 stars; one submission).

gnomAD v4.1: 28 of 1,609,122 alleles (0.0017%); highest among the groups gnomAD compares: Middle Eastern, 0.045%; no homozygotes.

Submission:

GeneDx
Classification: Uncertain significance. Last evaluated: 2024-07-18. Review status: criteria provided, single submitter. Criteria: GeneDx Variant Classification Process June 2021. Collection method: clinical testing. Allele origin: germline. Affected: yes.
Comment: Not observed at significant frequency in large population cohorts (gnomAD); Has not been previously published as pathogenic or benign to our knowledge

NM_032382.5(COG8):c.-2A>T

Gene: COG8 (component of oligomeric golgi complex 8; minus strand). Cytogenetic location: 16q22.1.
Variant type: single nucleotide variant.
Coding change: c.-2A>T on transcript NM_032382.5 (MANE Select); 2 bases upstream of the start codon, A replaced by T.
Molecular consequence: 5 prime UTR variant.
Genome position (GRCh38, 1-based): chr16:69,339,554, T>A on the plus strand (A>T on the coding strand, the complement: COG8 is on the minus strand). VCF-style: chr16-69339554-T-A. GRCh37 (hg19) VCF-style: chr16-69373457-T-A.
Other names: c.-2A>T (NM_001374871.1, NM_001379261.1, NM_001379262.1 and 4 more transcripts).
Identifiers: ClinVar variation 3573512 (VCV003573512.1).